The following is an entry in ClinVar:

NM_001005242.3(PKP2):c.2357+13_2357+14insC

Gene: PKP2 (plakophilin 2; minus strand). Cytogenetic location: 12p11.21.
Variant type: Insertion.
Coding change: c.2357+13_2357+14insC on transcript NM_001005242.3 (MANE Select); bases 13 to 14 of the intron after coding-DNA position 2357, C inserted.
Molecular consequence: intron variant.
Genome position: GRCh38 VCF-style: chr12-32796095-A-AG. GRCh37 (hg19) VCF-style: chr12-32949029-A-AG.
Other names: c.2489+13_2489+14insC (NM_004572.4).
Identifiers: ClinVar variation 45070 (VCV000045070.26), dbSNP rs149968852, ClinGen allele CA012080.

ClinVar aggregate classification (germline): Benign. Review status: criteria provided, multiple submitters, no conflicts (2 of 4 stars). 10 submissions from 10 submitters: Benign (6). 4 of the submissions do not count toward it. Last evaluated 2026-02-04.

Conditions:
Cardiomyopathy (CMYO). Also called: Cardiomyopathies. Identifiers: Orphanet 167848, MedGen C0878544, MONDO:0004994, HP:0001638. Inheritance: Various modes of inheritance.
Arrhythmogenic right ventricular dysplasia 9 (ARVD9). Also called: Arrhythmogenic Right Ventricular Dysplasia/Cardiomyopathy 9; ARRHYTHMOGENIC RIGHT VENTRICULAR DYSPLASIA, FAMILIAL, 9. Identifiers: MedGen C1836906, MONDO:0012180, OMIM 609040.

Allele frequency attached by ClinVar (database versions not stated): gnomAD exomes 0.16949 and 0.21070; ESP Exome Variant Server 0.19029; gnomAD 0.19813 and 0.20623; TOPMed 0.20550; ExAC 0.21080; 1000 Genomes Project 30x 0.30840; 1000 Genomes Project 0.31829.

Submissions (10):

Labcorp Genetics (formerly Invitae), Labcorp
Classification: Benign for Arrhythmogenic right ventricular dysplasia 9. Last evaluated: 2026-02-04. Review status: criteria provided, single submitter. Criteria: Invitae Variant Classification Sherloc (09022015). Collection method: clinical testing. Allele origin: germline.

GeneDx
Classification: Benign. Last evaluated: 2018-06-06. Review status: criteria provided, single submitter. Criteria: GeneDx Variant Classification Process June 2021. Collection method: clinical testing. Allele origin: germline. Affected: yes.

Clinical Genetics DNA and cytogenetics Diagnostics Lab, Erasmus MC, Erasmus Medical Center
Classification: Benign for Arrhythmogenic right ventricular dysplasia 9. Last evaluated: 2015-09-21. Review status: criteria provided, single submitter. Criteria: ACGS Guidelines, 2013. Collection method: clinical testing. Allele origin: germline. Affected: yes. Study: VKGL Data-share Consensus.

Genome Diagnostics Laboratory, University Medical Center Utrecht
Classification: Benign for Arrhythmogenic right ventricular dysplasia 9. Last evaluated: 2014-10-09. Review status: criteria provided, single submitter. Criteria: ACGS Guidelines, 2013. Collection method: clinical testing. Allele origin: germline. Affected: yes. Study: VKGL Data-share Consensus.

Laboratory for Molecular Medicine, Mass General Brigham Personalized Medicine
Classification: Benign. Last evaluated: 2012-03-14. Review status: criteria provided, single submitter. Criteria: LMM Criteria. Collection method: clinical testing. Allele origin: germline. Observed: 677 variant alleles.
Comment: Benign based on high proband frequency (>10%)

PreventionGenetics, part of Exact Sciences
Classification: Benign. Review status: criteria provided, single submitter. Criteria: ACMG Guidelines, 2015. Collection method: clinical testing. Allele origin: germline.

Cohesion Phenomics
Classification: Benign for Cardiomyopathy. Last evaluated: 2022-09-23. Review status: no assertion criteria provided. Criteria: ACMG Guidelines, 2015. Collection method: clinical testing. Allele origin: germline. Affected: yes. Not counted in ClinVar's aggregate classification.

Clinical Genetics, Academic Medical Center
Classification: Benign. Review status: no assertion criteria provided. Collection method: clinical testing. Allele origin: germline. Affected: yes. Study: VKGL Data-share Consensus. Not counted in ClinVar's aggregate classification.

Diagnostic Laboratory, Department of Genetics, University Medical Center Groningen
Classification: Benign. Review status: no assertion criteria provided. Collection method: clinical testing. Allele origin: germline. Affected: yes. Study: VKGL Data-share Consensus. Not counted in ClinVar's aggregate classification.

Joint Genome Diagnostic Labs from Nijmegen and Maastricht, Radboudumc and MUMC+
Classification: Benign. Review status: no assertion criteria provided. Collection method: clinical testing. Allele origin: germline. Affected: yes. Study: VKGL Data-share Consensus. Not counted in ClinVar's aggregate classification.